The following is an entry in ClinVar:

ClinVar aggregate classification (germline): Conflicting classifications of pathogenicity. Review status: criteria provided, conflicting classifications (1 of 4 stars). 2 submissions from 2 submitters: Uncertain significance (1); Benign (1). Last evaluated 2025-07-17.

Conditions:
Fanconi anemia (FA). Also called: Fanconi's anemia. Identifiers: Orphanet 84, MedGen C0015625, MeSH D005199, MONDO:0019391.
Ovarian cancer. Also called: OVARIAN CANCER, SOMATIC. Identifiers: Orphanet 213500, MedGen C1140680, MONDO:0008170, OMIM 167000.

Submissions (2):

Labcorp Genetics (formerly Invitae), Labcorp
Classification: Uncertain significance for Fanconi anemia. Last evaluated: 2025-07-17. Review status: criteria provided, single submitter. Criteria: Invitae Variant Classification Sherloc (09022015). Collection method: clinical testing. Allele origin: germline.
Comment: This sequence change replaces isoleucine, which is neutral and non-polar, with valine, which is neutral and non-polar, at codon 1234 of the FANCA protein (p.Ile1234Val). This variant is not present in population databases (gnomAD no frequency). This variant has not been reported in the literature in individuals affected with FANCA-related conditions. ClinVar contains an entry for this variant (Variation ID: 662042). Invitae Evidence Modeling of protein sequence and biophysical properties (such as structural, functional, and spatial information, amino acid conservation, physicochemical variation, residue mobility, and thermodynamic stability) indicates that this missense variant is not expected to disrupt FANCA protein function with a negative predictive value of 95%. In summary, the available evidence is currently insufficient to determine the role of this variant in disease. Therefore, it has been classified as a Variant of Uncertain Significance.

Laboratory of Molecular Epidemiology of Birth Defects, West China Second University Hospital, Sichuan University
Classification: Benign for Ovarian cancer. Last evaluated: 2022-01-01. Review status: criteria provided, single submitter. Criteria: ACMG Guidelines, 2015. Collection method: clinical testing. Allele origin: germline. Affected: yes.

NM_000135.4(FANCA):c.3700A>G (p.Ile1234Val)

Gene: FANCA (FA complementation group A; minus strand). Cytogenetic location: 16q24.3.
Variant type: single nucleotide variant.
Coding change: c.3700A>G on transcript NM_000135.4 (MANE Select); coding-DNA position 3700, A replaced by G.
Protein change: p.Ile1234Val; replaces isoleucine 1234 with valine.
Molecular consequence: missense variant.
Genome position (GRCh38, 1-based): chr16:89,742,865, T>C on the plus strand (A>G on the coding strand, the complement: FANCA is on the minus strand). VCF-style: chr16-89742865-T-C. GRCh37 (hg19) VCF-style: chr16-89809273-T-C.
Other names: c.3700A>G (LRG_495t1); c.3700A>G, p.Ile1234Val (NM_001286167.3); short protein forms I1234V.
Identifiers: ClinVar variation 662042 (VCV000662042.8), dbSNP rs1598063117, ClinGen allele CA397485411.